The following is an entry in ClinVar:

NM_024529.5(CDC73):c.1237C>G (p.Gln413Glu)

Gene: CDC73 (cell division cycle 73; plus strand). Cytogenetic location: 1q31.2.
Variant type: single nucleotide variant.
Coding change: c.1237C>G on transcript NM_024529.5 (MANE Select); coding-DNA position 1237, C replaced by G.
Protein change: p.Gln413Glu; replaces glutamine 413 with glutamic acid.
Molecular consequence: missense variant.
Genome position (GRCh38, 1-based): chr1:193,233,075, C>G. VCF-style: chr1-193233075-C-G. GRCh37 (hg19) VCF-style: chr1-193202205-C-G.
Other names: short protein forms Q413E.
Identifiers: ClinVar variation 462743 (VCV000462743.10), dbSNP rs1553291031, ClinGen allele CA344077899.

ClinVar aggregate classification (germline): Uncertain significance. Review status: criteria provided, multiple submitters, no conflicts (2 of 4 stars). 2 submissions from 2 submitters: Uncertain significance (2). Last evaluated 2025-02-15.

Conditions:
Hereditary cancer-predisposing syndrome. Also called: Neoplastic Syndromes, Hereditary; Hereditary Cancer Syndrome; Hereditary neoplastic syndrome; Tumor predisposition. Identifiers: Orphanet 140162, MedGen C0027672, MeSH D009386, MONDO:0015356.
Parathyroid carcinoma (PRTC). Also called: CDC73-Related Parathyroid Carcinoma; Parathyroid gland carcinoma. Identifiers: Orphanet 143, MedGen C0687150, MONDO:0012004, OMIM 608266, HP:0006780.

Submissions (2):

Ambry Genetics
Classification: Uncertain significance for Hereditary cancer-predisposing syndrome. Last evaluated: 2025-02-15. Review status: criteria provided, single submitter. Criteria: Ambry Variant Classification Scheme 2023. Collection method: clinical testing. Allele origin: germline.
Comment: The p.Q413E variant (also known as c.1237C>G), located in coding exon 14 of the CDC73 gene, results from a C to G substitution at nucleotide position 1237. The glutamine at codon 413 is replaced by glutamic acid, an amino acid with highly similar properties. This amino acid position is conserved. In addition, this alteration is predicted to be tolerated by in silico analysis. Based on the available evidence, the clinical significance of this variant remains unclear.

Labcorp Genetics (formerly Invitae), Labcorp
Classification: Uncertain significance for Parathyroid carcinoma. Last evaluated: 2021-07-13. Review status: criteria provided, single submitter. Criteria: Invitae Variant Classification Sherloc (09022015). Collection method: clinical testing. Allele origin: germline.
Comment: This sequence change replaces glutamine with glutamic acid at codon 413 of the CDC73 protein (p.Gln413Glu). The glutamine residue is moderately conserved and there is a small physicochemical difference between glutamine and glutamic acid. This variant is not present in population databases (ExAC no frequency) and has not been reported in the literature in individuals with a CDC73-related disease. Algorithms developed to predict the effect of missense changes on protein structure and function do not agree on the potential impact of this missense change (SIFT: "Tolerated"; PolyPhen-2: "Possibly Damaging"; Align-GVGD: "Class C0"). In summary, this variant is a novel missense change with uncertain impact on protein function. It has been classified as a Variant of Uncertain Significance.